The following is an entry in ClinVar:

NM_000070.3(CAPN3):c.1055del (p.Lys352fs)

Gene: CAPN3 (calpain 3; plus strand). Cytogenetic location: 15q15.1.
Variant type: Deletion.
Coding change: c.1055del on transcript NM_000070.3 (MANE Select); coding-DNA position 1055, one base deleted (A; older notation c.1055delA).
Protein change: p.Lys352fs; shifts the reading frame from lysine 352.
Molecular consequence: frameshift variant.
Genome position (GRCh38, 1-based): chr15:42,394,281, A deleted; the last of 2 consecutive A bases (chr15:42,394,280-42,394,281); deleting either gives the same sequence. VCF-style (leftmost placement, unchanged base first): chr15-42394279-GA-G. GRCh37 (hg19) VCF-style: chr15-42686477-GA-G.
Other names: c.1055del, p.Lys352fs (NM_024344.2); c.911del, p.Lys304fs (NM_173087.2); c.794delA, p.Lys265Serfs (NM_212464.2); c.*748delA (NM_212467.2); short protein forms K304fs, K352fs.
Identifiers: ClinVar variation 2098114 (VCV002098114.4), dbSNP rs2548267387, ClinGen allele CA2580089400.

ClinVar aggregate classification (germline): Pathogenic (1 of 4 stars; one submission).

Conditions:
Autosomal recessive limb-girdle muscular dystrophy type 2A (LGMDR1). Also called: Muscular dystrophy, limb-girdle, type 2A, Amish; Calpainopathy; LEYDEN-MOEBIUS MUSCULAR DYSTROPHY; MUSCULAR DYSTROPHY, PELVOFEMORAL; Limb-girdle muscular dystrophy, type 2A. Identifiers: Orphanet 267, MedGen C1869123, MONDO:0009675, OMIM 253600. Disease mechanism: loss of function.

Submission:

Labcorp Genetics (formerly Invitae), Labcorp
Classification: Pathogenic for Autosomal recessive limb-girdle muscular dystrophy type 2A. Last evaluated: 2022-03-03. Review status: criteria provided, single submitter. Criteria: Invitae Variant Classification Sherloc (09022015). Collection method: clinical testing. Allele origin: germline.
Comment: This variant has not been reported in the literature in individuals affected with CAPN3-related conditions. This sequence change creates a premature translational stop signal (p.Lys352Serfs*82) in the CAPN3 gene. It is expected to result in an absent or disrupted protein product. Loss-of-function variants in CAPN3 are known to be pathogenic (PMID: 10330340, 15689361). This variant is not present in population databases (gnomAD no frequency). Algorithms developed to predict the effect of sequence changes on RNA splicing suggest that this variant may disrupt the consensus splice site. For these reasons, this variant has been classified as Pathogenic.

Literature cited by the submitters: PubMed 10330340; PubMed 15689361.